The following is an entry in ClinVar:

ClinVar aggregate classification (germline): Uncertain significance (1 of 4 stars; one submission).

Conditions:
Neuropathy, hereditary sensory, type 1F. Also called: HSN IF; Hereditary sensory neuropathy type IF. Identifiers: Orphanet 36386, MedGen C3810194, MONDO:0014286, OMIM 615632.

gnomAD v4.1: 6 of 1,612,632 alleles (0.00037%); highest among the groups gnomAD compares: African/African-American, 0.0013%; no homozygotes.

Submission:

Labcorp Genetics (formerly Invitae), Labcorp
Classification: Uncertain significance for Neuropathy, hereditary sensory, type 1F. Last evaluated: 2025-12-14. Review status: criteria provided, single submitter. Criteria: Invitae Variant Classification Sherloc (09022015). Collection method: clinical testing. Allele origin: germline.
Comment: This sequence change replaces cysteine, which is neutral and slightly polar, with tyrosine, which is neutral and polar, at codon 256 of the ATL3 protein (p.Cys256Tyr). This variant is present in population databases (rs769374286, gnomAD 0.003%). This variant has not been reported in the literature in individuals affected with ATL3-related conditions. Invitae Evidence Modeling of protein sequence and biophysical properties (such as structural, functional, and spatial information, amino acid conservation, physicochemical variation, residue mobility, and thermodynamic stability) indicates that this missense variant is expected to disrupt ATL3 protein function with a positive predictive value of 80%. In summary, the available evidence is currently insufficient to determine the role of this variant in disease. Therefore, it has been classified as a Variant of Uncertain Significance.

NM_015459.5(ATL3):c.767G>A (p.Cys256Tyr)

Genes: ATL3 (atlastin GTPase 3; minus strand), LNCROPM (lncRNA regulator of PLAAT3 mediated phospholipid metabolism; plus strand). Cytogenetic location: 11q13.1.
Variant type: single nucleotide variant.
Coding change: c.767G>A on transcript NM_015459.5 (MANE Select); coding-DNA position 767, G replaced by A.
Protein change: p.Cys256Tyr; replaces cysteine 256 with tyrosine.
Molecular consequence: missense variant.
Genome position (GRCh38, 1-based): chr11:63,643,440, C>T on the plus strand (G>A on the coding strand, the complement: ATL3 is on the minus strand). VCF-style: chr11-63643440-C-T. GRCh37 (hg19) VCF-style: chr11-63410912-C-T.
Other names: c.713G>A, p.Cys238Tyr (NM_001290048.2); c.716G>A, p.Cys239Tyr (NM_001440716.1); c.710G>A, p.Cys237Tyr (NM_001440717.1); c.767G>A, p.Cys256Tyr (NM_001440718.1); c.662G>A, p.Cys221Tyr (NM_001440719.1); c.656G>A, p.Cys219Tyr (NM_001440720.1); c.611G>A, p.Cys204Tyr (NM_001440721.1); c.554G>A, p.Cys185Tyr (NM_001440722.1); short protein forms C204Y, C219Y, C221Y, C256Y, C237Y, C185Y, C238Y, C239Y.
Identifiers: ClinVar variation 4736703 (VCV004736703.1).